The following is an entry in ClinVar:

ClinVar aggregate classification (germline): Uncertain significance. Review status: criteria provided, multiple submitters, no conflicts (2 of 4 stars). 4 submissions from 4 submitters: Uncertain significance (4). Last evaluated 2025-08-07.

Conditions:
Hereditary cancer-predisposing syndrome. Also called: Tumor predisposition; Hereditary Cancer Syndrome; Neoplastic Syndromes, Hereditary; Hereditary neoplastic syndrome. Identifiers: Orphanet 140162, MedGen C0027672, MeSH D009386, MONDO:0015356.
Familial cancer of breast. Also called: hereditary breast carcinoma; Hereditary breast cancer; BREAST CANCER, FAMILIAL. Identifiers: Orphanet 227535, MedGen C0346153, MONDO:0016419, OMIM 114480. Disease mechanism: loss of function.

Allele frequency attached by ClinVar (database versions not stated): gnomAD exomes below 0.00001; TOPMed 0.00002.
gnomAD v4.1: 2 of 1,567,998 alleles (0.00013%); highest among the groups gnomAD compares: Admixed American, 0.0017%; no homozygotes.

Submissions (4):

Labcorp Genetics (formerly Invitae), Labcorp
Classification: Uncertain significance for Familial cancer of breast. Last evaluated: 2025-08-07. Review status: criteria provided, single submitter. Criteria: Invitae Variant Classification Sherloc (09022015). Collection method: clinical testing. Allele origin: germline.
Comment: This sequence change falls in intron 8 of the PALB2 gene. It does not directly change the encoded amino acid sequence of the PALB2 protein. It affects a nucleotide within the consensus splice site. This variant is not present in population databases (gnomAD no frequency). This variant has been observed in individual(s) with breast and/or ovarian cancer (PMID: 35610400). ClinVar contains an entry for this variant (Variation ID: 484228). Variants that disrupt the consensus splice site are a relatively common cause of aberrant splicing (PMID: 17576681, 9536098). Algorithms developed to predict the effect of sequence changes on RNA splicing suggest that this variant is not likely to affect RNA splicing. In summary, the available evidence is currently insufficient to determine the role of this variant in disease. Therefore, it has been classified as a Variant of Uncertain Significance.

Ambry Genetics
Classification: Uncertain significance for Hereditary cancer-predisposing syndrome. Last evaluated: 2025-05-01. Review status: criteria provided, single submitter. Criteria: Ambry Variant Classification Scheme 2023. Collection method: clinical testing. Allele origin: germline.
Comment: The c.2834+4T>C intronic variant results from a T to C substitution 4 nucleotides after coding exon 8 in the PALB2 gene. This nucleotide position is well conserved in available vertebrate species. In silico splice site analysis predicts that this alteration will not have any significant effect on splicing; however, direct evidence is insufficient at this time (Ambry internal data). Based on the available evidence, the clinical significance of this variant remains unclear.

Color Diagnostics, LLC DBA Color Health
Classification: Uncertain significance for Hereditary cancer-predisposing syndrome. Last evaluated: 2024-02-20. Review status: criteria provided, single submitter. Criteria: ACMG Guidelines, 2015. Collection method: clinical testing. Allele origin: germline.
Comment: This variant causes an T>C nucleotide substitution at the +4 position of intron 8 of the PALB2 gene. Splice site prediction tools suggest that this variant may not impact RNA splicing. This variant has been reported in two suspected hereditary breast and ovarian cancer families (PMID: 35610400). This variant has not been identified in the general population by the Genome Aggregation Database (gnomAD). The available evidence is insufficient to determine the role of this variant in disease conclusively. Therefore, this variant is classified as a Variant of Uncertain Significance.

Blueprint Genetics
Classification: Uncertain significance. Last evaluated: 2023-10-26. Review status: criteria provided, single submitter. Criteria: ACMG Guidelines, 2015. Collection method: clinical testing. Allele origin: germline.

Literature cited by the submitters: PubMed 35610400 (cited by Labcorp Genetics (formerly Invitae), Labcorp and Color Diagnostics, LLC DBA Color Health); PubMed 17576681 (cited by Labcorp Genetics (formerly Invitae), Labcorp); PubMed 9536098 (cited by Labcorp Genetics (formerly Invitae), Labcorp).

NM_024675.4(PALB2):c.2834+4T>C

Gene: PALB2 (partner and localizer of BRCA2; minus strand). Cytogenetic location: 16p12.2.
Variant type: single nucleotide variant.
Coding change: c.2834+4T>C on transcript NM_024675.4 (MANE Select); 4 bases into the intron after coding-DNA position 2834, T replaced by C.
Molecular consequence: intron variant.
Genome position (GRCh38, 1-based): chr16:23,624,005, A>G on the plus strand (T>C on the coding strand, the complement: PALB2 is on the minus strand). VCF-style: chr16-23624005-A-G. GRCh37 (hg19) VCF-style: chr16-23635326-A-G.
Identifiers: ClinVar variation 484228 (VCV000484228.26), dbSNP rs982643702, ClinGen allele CA279534244.
Genomic context (GRCh38, chr16:23,624,005, plus strand): 5'-CTTAAAACCAGCTGACAGAGACAAAGATGAAGGAAAAACAAATCACTCCTTGGGAATTAC[A>G]TACCTGATCTCTCTGATTTCCAAATTTCCCAAAGCTACACACACGAGATTATACACATCA-3'